The following is an entry in ClinVar:

NM_000158.4(GBE1):c.1935-1C>T

Gene: GBE1 (1,4-alpha-glucan branching enzyme 1; minus strand). Cytogenetic location: 3p12.2.
Variant type: single nucleotide variant.
Coding change: c.1935-1C>T on transcript NM_000158.4 (MANE Select); the canonical splice acceptor site of the intron before coding-DNA position 1935, C replaced by T.
Molecular consequence: splice acceptor variant.
Genome position (GRCh38, 1-based): chr3:81,499,228, G>A on the plus strand (C>T on the coding strand, the complement: GBE1 is on the minus strand). VCF-style: chr3-81499228-G-A. GRCh37 (hg19) VCF-style: chr3-81548379-G-A.
Identifiers: ClinVar variation 1345472 (VCV001345472.9), dbSNP rs1475447884, ClinGen allele CA353684537.

ClinVar aggregate classification (germline): Likely pathogenic. Review status: criteria provided, multiple submitters, no conflicts (2 of 4 stars). 3 submissions from 3 submitters: Likely pathogenic (3). Last evaluated 2023-09-01.

Conditions:
Glycogen storage disease IV, classic hepatic. Also called: GSD IV, CLASSIC HEPATIC. Identifiers: MedGen C1856301.
Glycogen storage disease, type IV (GSD4). Also called: GBE1 DEFICIENCY; GLYCOGEN BRANCHING ENZYME DEFICIENCY; GLYCOGENOSIS IV; GSD IV; Glycogen storage disease due to glycogen branching enzyme deficiency; AMYLOPECTINOSIS. Identifiers: Orphanet 367, MedGen C0017923, MONDO:0009292, OMIM 232500.
Adult polyglucosan body disease (APBN). Also called: GBE1-Adult Polyglucosan Body Disease; POLYGLUCOSAN BODY DISEASE, ADULT FORM. Identifiers: Orphanet 206583, MedGen C1849722, MONDO:0009897, OMIM 263570.

Allele frequency attached by ClinVar (database versions not stated): gnomAD exomes below 0.00001; TOPMed below 0.00001.
gnomAD v4.1: 5 of 1,556,124 alleles (0.00032%); highest among the groups gnomAD compares: Non-Finnish European, 0.00044%; no homozygotes.

Submissions (3):

Baylor Genetics
Classification: Likely pathogenic for Glycogen storage disease, type IV. Last evaluated: 2023-09-01. Review status: criteria provided, single submitter. Criteria: ACMG Guidelines, 2015. Collection method: clinical testing. Allele origin: unknown.

Labcorp Genetics (formerly Invitae), Labcorp
Classification: Likely pathogenic for Glycogen storage disease, type IV; Glycogen storage disease IV, classic hepatic. Last evaluated: 2023-08-02. Review status: criteria provided, single submitter. Criteria: Invitae Variant Classification Sherloc (09022015). Collection method: clinical testing. Allele origin: germline.
Comment: ClinVar contains an entry for this variant (Variation ID: 1345472). In summary, the currently available evidence indicates that the variant is pathogenic, but additional data are needed to prove that conclusively. Therefore, this variant has been classified as Likely Pathogenic. Variants that disrupt the consensus splice site are a relatively common cause of aberrant splicing (PMID: 17576681, 9536098). This variant has not been reported in the literature in individuals affected with GBE1-related conditions. This variant is not present in population databases (gnomAD no frequency). This sequence change affects an acceptor splice site in intron 14 of the GBE1 gene. It is expected to disrupt RNA splicing. Variants that disrupt the donor or acceptor splice site typically lead to a loss of protein function (PMID: 16199547), and loss-of-function variants in GBE1 are known to be pathogenic (PMID: 15452297, 20058079).

Juno Genomics, Hangzhou Juno Genomics, Inc
Classification: Likely pathogenic for Glycogen storage disease, type IV; Adult polyglucosan body disease. Review status: criteria provided, single submitter. Criteria: ACMG Guidelines, 2015. Collection method: clinical testing. Allele origin: germline.
Comment: Null variant in a gene where loss of function (LOF) is a known mechanism of disease.;Absent from controls (or at extremely low frequency if recessive) in Genome Aggregation Database.

Literature cited by the submitters: PubMed 17576681 (cited by Labcorp Genetics (formerly Invitae), Labcorp); PubMed 9536098 (cited by Labcorp Genetics (formerly Invitae), Labcorp); PubMed 16199547 (cited by Labcorp Genetics (formerly Invitae), Labcorp); PubMed 15452297 (cited by Labcorp Genetics (formerly Invitae), Labcorp); PubMed 20058079 (cited by Labcorp Genetics (formerly Invitae), Labcorp).